The following is an entry in ClinVar:

NM_002878.4(RAD51D):c.582T>A (p.Thr194=)

Genes: RAD51L3-RFFL (RAD51L3-RFFL readthrough; minus strand), RAD51D (RAD51 paralog D; minus strand). Cytogenetic location: 17q12.
Variant type: single nucleotide variant.
Coding change: c.582T>A on transcript NM_002878.4 (MANE Select); coding-DNA position 582, T replaced by A.
Protein change: p.Thr194=; no amino-acid change (threonine 194 retained).
Molecular consequence: synonymous variant. On other transcripts: non-coding transcript variant (3).
Genome position (GRCh38, 1-based): chr17:35,103,539, A>T on the plus strand (T>A on the coding strand, the complement: RAD51D is on the minus strand). VCF-style: chr17-35103539-A-T. GRCh37 (hg19) VCF-style: chr17-33430558-A-T.
Other names: c.642T>A, p.Thr214= (NM_001142571.2); c.246T>A, p.Thr82= (NM_133629.3).
Identifiers: ClinVar variation 1692733 (VCV001692733.6), dbSNP rs1555567645, ClinGen allele CA499730656.
Genomic context (GRCh38, chr17:35,103,539, plus strand): 5'-TGGGGAAACCACCGCAGTGACCGAGTCCACAACCACCACCTTCACAGTTCCTGAAGAACC[A>T]GTCACCTGAAGGAATGTGGGGGAAGCACTCATGAACCTGTCAGCCTCTAGGACACATTAC-3'
Protein context (NP_002869.3, residues 184-204): ELRGTVAQQV[Thr194=]GSSGTVKVVV

ClinVar aggregate classification (germline): Benign/Likely benign. Review status: criteria provided, multiple submitters, no conflicts (2 of 4 stars). 4 submissions from 4 submitters: Benign (1); Likely benign (3). Last evaluated 2025-02-24.

Conditions:
Hereditary cancer-predisposing syndrome. Also called: Hereditary Cancer Syndrome; Hereditary neoplastic syndrome; Neoplastic Syndromes, Hereditary; Tumor predisposition. Identifiers: Orphanet 140162, MedGen C0027672, MeSH D009386, MONDO:0015356.
Breast-ovarian cancer, familial, susceptibility to, 4. Identifiers: Orphanet 145, MedGen C3280345, MONDO:0013669, OMIM 614291.

Submissions (4):

Myriad Genetics, Inc.
Classification: Benign for Breast-ovarian cancer, familial, susceptibility to, 4. Last evaluated: 2025-02-24. Review status: criteria provided, single submitter. Criteria: Myriad Autosomal Dominant, Autosomal Recessive and X-Linked Classification Criteria (2023). Collection method: clinical testing. Allele origin: unknown.
Comment: This variant is considered benign. This variant is a silent/synonymous amino acid change and it is not expected to impact splicing.

Labcorp Genetics (formerly Invitae), Labcorp
Classification: Likely benign for Breast-ovarian cancer, familial, susceptibility to, 4. Last evaluated: 2024-05-08. Review status: criteria provided, single submitter. Criteria: Invitae Variant Classification Sherloc (09022015). Collection method: clinical testing. Allele origin: germline.

Sema4
Classification: Likely benign for Hereditary cancer-predisposing syndrome. Last evaluated: 2022-01-25. Review status: criteria provided, single submitter. Criteria: Sema4 Curation Guidelines. Collection method: curation. Allele origin: germline.

Ambry Genetics
Classification: Likely benign for Hereditary cancer-predisposing syndrome. Last evaluated: 2021-09-26. Review status: criteria provided, single submitter. Criteria: Ambry Variant Classification Scheme 2023. Collection method: clinical testing. Allele origin: germline.